The following is an entry in ClinVar:

ClinVar aggregate classification (germline): Uncertain significance (1 of 4 stars; one submission).

Conditions:
Cranioectodermal dysplasia 1 (CED1). Also called: LEVIN SYNDROME I. Identifiers: Orphanet 1515, MedGen C0432235, MONDO:0021093, OMIM 218330.

gnomAD v4.1: 3 of 1,611,054 alleles (0.00019%); no homozygotes.

Submission:

Labcorp Genetics (formerly Invitae), Labcorp
Classification: Uncertain significance for Cranioectodermal dysplasia 1. Last evaluated: 2022-04-12. Review status: criteria provided, single submitter. Criteria: Invitae Variant Classification Sherloc (09022015). Collection method: clinical testing. Allele origin: germline.
Comment: In summary, the available evidence is currently insufficient to determine the role of this variant in disease. Therefore, it has been classified as a Variant of Uncertain Significance. Variants that disrupt the consensus splice site are a relatively common cause of aberrant splicing (PMID: 17576681, 9536098). Algorithms developed to predict the effect of sequence changes on RNA splicing suggest that this variant may disrupt the consensus splice site. This variant has not been reported in the literature in individuals affected with IFT122-related conditions. This variant is not present in population databases (gnomAD no frequency). This sequence change affects codon 1013 of the IFT122 mRNA. It is a 'silent' change, meaning that it does not change the encoded amino acid sequence of the IFT122 protein. This variant also falls at the last nucleotide of exon 24, which is part of the consensus splice site for this exon.

Literature cited by the submitters: PubMed 17576681; PubMed 9536098.

NM_052989.3(IFT122):c.2886G>A (p.Thr962=)

Gene: IFT122 (intraflagellar transport 122; plus strand). Cytogenetic location: 3q22.1.
Variant type: single nucleotide variant.
Coding change: c.2886G>A on transcript NM_052989.3 (MANE Select); coding-DNA position 2886, G replaced by A.
Protein change: p.Thr962=; no amino-acid change (threonine 962 retained).
Molecular consequence: synonymous variant.
Genome position (GRCh38, 1-based): chr3:129,507,762, G>A. VCF-style: chr3-129507762-G-A. GRCh37 (hg19) VCF-style: chr3-129226605-G-A.
Other names: c.2865G>A, p.Thr955= (NM_001280541.2); c.2436G>A, p.Thr812= (NM_001280545.2); c.2259G>A, p.Thr753= (NM_001280546.2); c.2889G>A, p.Thr963= (NM_001410808.1); c.2832G>A, p.Thr944= (NM_001410809.1); c.2712G>A, p.Thr904= (NM_001410810.1); c.2658G>A, p.Thr886= (NM_001410811.1); c.2655G>A, p.Thr885= (NM_001410813.1); and 5 more.
Identifiers: ClinVar variation 2164633 (VCV002164633.3), dbSNP rs1048298927, ClinGen allele CA82629314.